The following is an entry in ClinVar:

ClinVar aggregate classification (germline): Likely benign (1 of 4 stars; one submission).

gnomAD v4.1: 82 of 1,613,780 alleles (0.0051%); highest among the groups gnomAD compares: Non-Finnish European, 0.0064%; no homozygotes.

Submission:

CeGaT Center for Human Genetics Tuebingen
Classification: Likely benign. Last evaluated: 2026-07-01. Review status: criteria provided, single submitter. Criteria: CeGaT Center For Human Genetics Tuebingen Variant Classification Criteria Version 2. Collection method: clinical testing. Allele origin: germline. Affected: yes. Observed: 1 variant allele.
Comment: KDELR2: BP4, BP7

NM_006854.4(KDELR2):c.333C>T (p.His111=)

Gene: KDELR2 (KDEL endoplasmic reticulum protein retention receptor 2; minus strand). Cytogenetic location: 7p22.1.
Variant type: single nucleotide variant.
Coding change: c.333C>T on transcript NM_006854.4 (MANE Select); coding-DNA position 333, C replaced by T.
Protein change: p.His111=; no amino-acid change (histidine 111 retained).
Molecular consequence: synonymous variant.
Genome position (GRCh38, 1-based): chr7:6,469,614, G>A on the plus strand (C>T on the coding strand, the complement: KDELR2 is on the minus strand). VCF-style: chr7-6469614-G-A. GRCh37 (hg19) VCF-style: chr7-6509245-G-A.
Other names: c.333C>T, p.His111= (NM_001100603.2).
Identifiers: ClinVar variation 5038988 (VCV005038988.1).
Genomic context (GRCh38, chr7:6,469,614, plus strand): 5'-ATGAGCCACCATGCCTGGCCCTAAGTAACCTTTTAAACTAACCTCAAGAGGAGAGAAATC[G>A]TGATTAACTAAAAATGAGAGGCCTCCCACAGGGACCACCAGAAACTCCACTCGGAAGGTA-3'
Protein context (NP_006845.1, residues 101-121): PVGGLSFLVN[His111=]DFSPLEILWT